The following is an entry in ClinVar:

ClinVar aggregate classification (germline): Benign (1 of 4 stars; one submission).

Allele frequency attached by ClinVar (database versions not stated): gnomAD exomes 0.12532; ESP Exome Variant Server 0.14916; gnomAD 0.15119; ExAC 0.15919; TOPMed 0.16003; 1000 Genomes Project 30x 0.18785; 1000 Genomes Project 0.18910.
gnomAD v4.1: 192,663 of 1,498,536 alleles (13%); highest among the groups gnomAD compares: East Asian, 27%; 13,851 homozygotes.

Submission:

Unidad de Genómica Garrahan, Hospital de Pediatría Garrahan
Classification: Benign. Last evaluated: 2024-01-24. Review status: criteria provided, single submitter. Criteria: ACMG Guidelines, 2015. Collection method: clinical testing. Allele origin: germline. Affected: no. Observed: 22 variant alleles.
Comment: This variant is classified as Benign based on local population frequency. This variant was detected in 23% of patients studied by a panel of primary immunodeficiencies. Number of patients: 22. Only high quality variants are reported.

NM_002221.4(ITPKB):c.2625+39C>T

Gene: ITPKB (inositol-trisphosphate 3-kinase B; minus strand). Cytogenetic location: 1q42.12.
Variant type: single nucleotide variant.
Coding change: c.2625+39C>T on transcript NM_002221.4 (MANE Select); 39 bases into the intron after coding-DNA position 2625, C replaced by T.
Molecular consequence: intron variant.
Genome position (GRCh38, 1-based): chr1:226,637,640, G>A on the plus strand (C>T on the coding strand, the complement: ITPKB is on the minus strand). VCF-style: chr1-226637640-G-A. GRCh37 (hg19) VCF-style: chr1-226825341-G-A.
Identifiers: ClinVar variation 2688311 (VCV002688311.2), dbSNP rs2236604, ClinGen allele CA1423602.